The following is an entry in ClinVar:

ClinVar aggregate classification (germline): Uncertain significance (1 of 4 stars; one submission).

gnomAD v4.1: 29 of 152,118 alleles (0.019%); highest among the groups gnomAD compares: Non-Finnish European, 0.041%; no homozygotes.

Submission:

Greenwood Genetic Center Diagnostic Laboratories, Greenwood Genetic Center
Classification: Uncertain significance. Last evaluated: 2025-12-08. Review status: criteria provided, single submitter. Criteria: ACMG Guidelines, 2015. Collection method: clinical testing. Allele origin: germline. Affected: yes.
Comment: PM2, BP4

NM_001013703.4(EIF2AK4):c.4659+259A>G

Gene: EIF2AK4 (eukaryotic translation initiation factor 2 alpha kinase 4; plus strand). Cytogenetic location: 15q15.1.
Variant type: single nucleotide variant.
Coding change: c.4659+259A>G on transcript NM_001013703.4 (MANE Select); 259 bases into the intron after coding-DNA position 4659, A replaced by G.
Molecular consequence: intron variant.
Genome position (GRCh38, 1-based): chr15:40,030,715, A>G. VCF-style: chr15-40030715-A-G. GRCh37 (hg19) VCF-style: chr15-40322916-A-G.
Identifiers: ClinVar variation 4845515 (VCV004845515.1).